The following is an entry in ClinVar:

ClinVar aggregate classification (germline): Uncertain significance (1 of 4 stars; one submission).

Conditions:
NPHP1-related disorder. Also called: NPHP1-related condition; NPHP1-related disorders.

Submission:

PreventionGenetics, part of Exact Sciences
Classification: Uncertain significance for NPHP1-related condition. Last evaluated: 2025-04-24. Review status: criteria provided, single submitter. Criteria: ACMG Guidelines, 2015. Collection method: clinical testing. Allele origin: germline.
Comment: The NPHP1 c.683T>C variant is predicted to result in the amino acid substitution p.Val228Ala. To our knowledge, this variant has not been reported in the literature or in a large population database (gnomAD), indicating this variant is rare. At this time, the clinical significance of this variant is uncertain due to the absence of conclusive functional and genetic evidence.

NM_001128178.3(NPHP1):c.683T>C (p.Val228Ala)

Gene: NPHP1 (nephrocystin 1; minus strand). Cytogenetic location: 2q13.
Variant type: single nucleotide variant.
Coding change: c.683T>C on transcript NM_001128178.3 (MANE Select); coding-DNA position 683, T replaced by C.
Protein change: p.Val228Ala; replaces valine 228 with alanine.
Molecular consequence: missense variant.
Genome position (GRCh38, 1-based): chr2:110,165,097, A>G on the plus strand (T>C on the coding strand, the complement: NPHP1 is on the minus strand). VCF-style: chr2-110165097-A-G. GRCh37 (hg19) VCF-style: chr2-110922674-A-G.
Other names: c.683T>C, p.Val228Ala (NM_000272.5, NM_001374256.1, NM_001374257.1 and 1 more transcripts); c.497T>C, p.Val166Ala (NM_001128179.3); short protein forms V166A, V228A.
Identifiers: ClinVar variation 4999559 (VCV004999559.1).